The following is an entry in ClinVar:

ClinVar aggregate classification (germline): Conflicting classifications of pathogenicity. Review status: criteria provided, conflicting classifications (1 of 4 stars). 4 submissions from 4 submitters: Uncertain significance (2); Benign (1); Likely benign (1). Last evaluated 2025-08-30.

Conditions:
Bethlem myopathy 1A. Also called: Bethlem Muscular Dystrophy; Bethlem myopathy 1; MYOPATHY, BENIGN CONGENITAL, WITH CONTRACTURES. Identifiers: Orphanet 610, MedGen CN029274, MONDO:0024530, OMIM 158810.
Inborn genetic diseases. Identifiers: MedGen C0950123, MeSH D030342.
Collagen 6-related myopathy. Identifiers: MedGen CN117976, MONDO:0100225.

Allele frequency attached by ClinVar (database versions not stated): ExAC 0.00002; gnomAD 0.00004; gnomAD exomes 0.00004; TOPMed 0.00004.

Submissions (4):

Ambry Genetics
Classification: Uncertain significance for Inborn genetic diseases. Last evaluated: 2025-08-30. Review status: criteria provided, single submitter. Criteria: Ambry Variant Classification Scheme 2023. Collection method: clinical testing. Allele origin: germline.

Labcorp Genetics (formerly Invitae), Labcorp
Classification: Benign for Bethlem myopathy 1A. Last evaluated: 2025-02-09. Review status: criteria provided, single submitter. Criteria: Invitae Variant Classification Sherloc (09022015). Collection method: clinical testing. Allele origin: germline.

Revvity Omics, Revvity
Classification: Uncertain significance. Last evaluated: 2019-06-11. Review status: criteria provided, single submitter. Criteria: ACMG Guidelines, 2015. Collection method: clinical testing. Allele origin: germline.

Illumina Laboratory Services, Illumina
Classification: Likely benign for Collagen VI-related myopathy. Last evaluated: 2018-01-12. Review status: criteria provided, single submitter. Criteria: ICSL Variant Classification Criteria 13 December 2019. Collection method: clinical testing. Allele origin: germline.
Comment: This variant was observed in the ICSL laboratory as part of a predisposition screen in an ostensibly healthy population. It had not been previously curated by ICSL or reported in the Human Gene Mutation Database (HGMD: prior to June 1st, 2018), and was therefore a candidate for classification through an automated scoring system. Utilizing variant allele frequency, disease prevalence and penetrance estimates, and inheritance mode, an automated score was calculated to assess if this variant is too frequent to cause the disease. Based on the score and internal cut-off values, a variant classified as likely benign is not then subjected to further curation. The score for this variant resulted in a classification of likely benign for this disease.

NM_004369.4(COL6A3):c.5419G>A (p.Glu1807Lys)

Gene: COL6A3 (collagen type VI alpha 3 chain; minus strand). Cytogenetic location: 2q37.3.
Variant type: single nucleotide variant.
Coding change: c.5419G>A on transcript NM_004369.4 (MANE Select); coding-DNA position 5419, G replaced by A.
Protein change: p.Glu1807Lys; replaces glutamic acid 1807 with lysine.
Molecular consequence: missense variant.
Genome position (GRCh38, 1-based): chr2:237,366,768, C>T on the plus strand (G>A on the coding strand, the complement: COL6A3 is on the minus strand). VCF-style: chr2-237366768-C-T. GRCh37 (hg19) VCF-style: chr2-238275411-C-T.
Other names: c.3598G>A, p.Glu1200Lys (NM_057166.5); c.4801G>A, p.Glu1601Lys (NM_057167.4); short protein forms E1200K, E1601K, E1807K.
Identifiers: ClinVar variation 656188 (VCV000656188.14), dbSNP rs781624176, ClinGen allele CA2188672.
Genomic context (GRCh38, chr2:237,366,768, plus strand): 5'-CAGGGCAAAGGGTTTCATGCATCGCATCATGCAAAGTTTCCAAAACTTGCTCGCTCAGTT[C>T]GGACAGCTCCTGGACGTTGCCCACGCGGAACGCTGTGGCGCTGTTGGACGCTATCTTTCC-3'
Protein context (NP_004360.2, residues 1797-1817): FRVGNVQELS[Glu1807Lys]LSEQVLETLH